The following is an entry in ClinVar:

ClinVar aggregate classification (germline): Uncertain significance (1 of 4 stars; one submission).

Allele frequency attached by ClinVar (database versions not stated): TOPMed below 0.00001; gnomAD exomes 0.00001.

Submission:

Labcorp Genetics (formerly Invitae), Labcorp
Classification: Uncertain significance. Last evaluated: 2020-10-29. Review status: criteria provided, single submitter. Criteria: Invitae Variant Classification Sherloc (09022015). Collection method: clinical testing. Allele origin: germline.
Comment: This sequence change replaces arginine with lysine at codon 65 of the ORC6 protein (p.Arg65Lys). The arginine residue is moderately conserved and there is a small physicochemical difference between arginine and lysine. This variant is not present in population databases (ExAC no frequency). In summary, the available evidence is currently insufficient to determine the role of this variant in disease. Therefore, it has been classified as a Variant of Uncertain Significance. Algorithms developed to predict the effect of sequence changes on RNA splicing suggest that this variant may create or strengthen a splice site, but this prediction has not been confirmed by published transcriptional studies. Algorithms developed to predict the effect of missense changes on protein structure and function output the following: SIFT: "Tolerated"; PolyPhen-2: "Benign"; Align-GVGD: "Class C0". The lysine amino acid residue is found in multiple mammalian species, suggesting that this missense change does not adversely affect protein function. These predictions have not been confirmed by published functional studies and their clinical significance is uncertain. This variant has not been reported in the literature in individuals with ORC6-related conditions.

NM_014321.4(ORC6):c.194G>A (p.Arg65Lys)

Gene: ORC6 (origin recognition complex subunit 6; plus strand). Cytogenetic location: 16q11.2.
Variant type: single nucleotide variant.
Coding change: c.194G>A on transcript NM_014321.4 (MANE Select); coding-DNA position 194, G replaced by A.
Protein change: p.Arg65Lys; replaces arginine 65 with lysine.
Molecular consequence: missense variant. On other transcripts: non-coding transcript variant (1).
Genome position (GRCh38, 1-based): chr16:46,691,119, G>A. VCF-style: chr16-46691119-G-A. GRCh37 (hg19) VCF-style: chr16-46725031-G-A.
Other names: short protein forms R65K.
Identifiers: ClinVar variation 1009568 (VCV001009568.8), dbSNP rs1966432913, ClinGen allele CA395818181.
Genomic context (GRCh38, chr16:46,691,119, plus strand): 5'-CCAGCAGTGCAGTCATGTGCCTGGACCTTGCAGCTTCCTGGATGAAGTGCCCCTTGGACA[G>A]GGTAAGTAGGTCCCACCGAATGTCTGAATAATCCAGTGCAACATTGAAGCTCTTTTAACT-3'
Protein context (NP_055136.1, residues 55-75): AASWMKCPLD[Arg65Lys]AYLIKLSGLN